The following is an entry in ClinVar:

NM_176787.5(PIGN):c.2503-2A>G

Gene: PIGN (phosphatidylinositol glycan anchor biosynthesis class N; minus strand). Cytogenetic location: 18q21.33.
Variant type: single nucleotide variant.
Coding change: c.2503-2A>G on transcript NM_176787.5 (MANE Select); the canonical splice acceptor site of the intron before coding-DNA position 2503, A replaced by G.
Molecular consequence: splice acceptor variant.
Genome position (GRCh38, 1-based): chr18:62,082,748, T>C on the plus strand (A>G on the coding strand, the complement: PIGN is on the minus strand). VCF-style: chr18-62082748-T-C. GRCh37 (hg19) VCF-style: chr18-59749981-T-C.
Other names: c.2503-2A>G (NM_012327.6).
Identifiers: ClinVar variation 2836213 (VCV002836213.3), dbSNP rs2145912754, ClinGen allele CA402601061.

ClinVar aggregate classification (germline): Likely pathogenic (1 of 4 stars; one submission).

Conditions:
Multiple congenital anomalies-hypotonia-seizures syndrome 1 (MCAHS1). Also called: PIGN-CDG; Congenital disorder of glycosylation due to PIGN deficiency; GLYCOSYLPHOSPHATIDYLINOSITOL BIOSYNTHESIS DEFECT 3. Identifiers: Orphanet 280633, MedGen C3279775, MONDO:0013563, OMIM 614080.

gnomAD v4.1: 1 of 1,505,992 alleles (0.000066%); no homozygotes.

Submission:

Labcorp Genetics (formerly Invitae), Labcorp
Classification: Likely pathogenic for Multiple congenital anomalies-hypotonia-seizures syndrome 1. Last evaluated: 2023-02-11. Review status: criteria provided, single submitter. Criteria: Invitae Variant Classification Sherloc (09022015). Collection method: clinical testing. Allele origin: germline.
Comment: This sequence change affects an acceptor splice site in intron 27 of the PIGN gene. It is expected to disrupt RNA splicing. Variants that disrupt the donor or acceptor splice site typically lead to a loss of protein function (PMID: 16199547), and loss-of-function variants in PIGN are known to be pathogenic (PMID: 24253414, 27038415). This variant is not present in population databases (gnomAD no frequency). This variant has not been reported in the literature in individuals affected with PIGN-related conditions. Algorithms developed to predict the effect of sequence changes on RNA splicing suggest that this variant may disrupt the consensus splice site. In summary, the currently available evidence indicates that the variant is pathogenic, but additional data are needed to prove that conclusively. Therefore, this variant has been classified as Likely Pathogenic.

Literature cited by the submitters: PubMed 16199547; PubMed 24253414; PubMed 27038415.